The following is an entry in ClinVar:

ClinVar aggregate classification (germline): Uncertain significance. Review status: criteria provided, multiple submitters, no conflicts (2 of 4 stars). 2 submissions from 2 submitters: Uncertain significance (2). Last evaluated 2026-06-18.

Conditions:
VPS13B-related disorder. Also called: VPS13B-related condition.
Cohen syndrome (COH1). Also called: PEPPER SYNDROME; Cutis verticis gyrata, retinitis pigmentosa, and sensorineural deafness. Identifiers: Orphanet 193, MedGen C0265223, MONDO:0008999, OMIM 216550.

Allele frequency attached by ClinVar (database versions not stated): TOPMed below 0.00001; gnomAD 0.00001; gnomAD exomes 0.00001; ESP Exome Variant Server 0.00008.
gnomAD v4.1: 4 of 1,613,758 alleles (0.00025%); highest among the groups gnomAD compares: African/African-American, 0.0013%; no homozygotes.

Submissions (2):

PreventionGenetics, part of Exact Sciences
Classification: Uncertain significance for VPS13B-related condition. Last evaluated: 2026-06-18. Review status: criteria provided, single submitter. Criteria: ACMG Guidelines, 2015. Collection method: clinical testing. Allele origin: germline.
Comment: The VPS13B c.5173A>G variant is predicted to result in the amino acid substitution p.Ile1725Val. To our knowledge, this variant has not been reported in the literature. This variant is reported in 0.00088% of alleles in individuals of European (Non-Finnish) descent in gnomAD. At this time, the clinical significance of this variant is uncertain due to the absence of conclusive functional and genetic evidence.

Labcorp Genetics (formerly Invitae), Labcorp
Classification: Uncertain significance for Cohen syndrome. Last evaluated: 2023-12-07. Review status: criteria provided, single submitter. Criteria: Invitae Variant Classification Sherloc (09022015). Collection method: clinical testing. Allele origin: germline.
Comment: This sequence change replaces isoleucine, which is neutral and non-polar, with valine, which is neutral and non-polar, at codon 1750 of the VPS13B protein (p.Ile1750Val). This variant is present in population databases (rs371963567, gnomAD 0.0009%). This variant has not been reported in the literature in individuals affected with VPS13B-related conditions. ClinVar contains an entry for this variant (Variation ID: 1962634). Advanced modeling of protein sequence and biophysical properties (such as structural, functional, and spatial information, amino acid conservation, physicochemical variation, residue mobility, and thermodynamic stability) performed at Invitae indicates that this missense variant is not expected to disrupt VPS13B protein function with a negative predictive value of 80%. In summary, the available evidence is currently insufficient to determine the role of this variant in disease. Therefore, it has been classified as a Variant of Uncertain Significance.

NM_152564.5(VPS13B):c.5173A>G (p.Ile1725Val)

Gene: VPS13B (vacuolar protein sorting 13 homolog B; plus strand). Cytogenetic location: 8q22.2.
Variant type: single nucleotide variant.
Coding change: c.5173A>G on transcript NM_152564.5 (MANE Select); coding-DNA position 5173, A replaced by G.
Protein change: p.Ile1725Val; replaces isoleucine 1725 with valine.
Molecular consequence: missense variant.
Genome position (GRCh38, 1-based): chr8:99,577,586, A>G. VCF-style: chr8-99577586-A-G. GRCh37 (hg19) VCF-style: chr8-100589814-A-G.
Other names: c.5248A>G, p.Ile1750Val (NM_017890.5); short protein forms I1725V, I1750V.
Identifiers: ClinVar variation 1962634 (VCV001962634.4), dbSNP rs371963567, ClinGen allele CA182999100.